The following is an entry in ClinVar:

NM_000110.4(DPYD):c.1905+1G>A

Gene: DPYD (dihydropyrimidine dehydrogenase; minus strand). Cytogenetic location: 1p21.3.
Variant type: single nucleotide variant.
Coding change: c.1905+1G>A on transcript NM_000110.4 (MANE Select); the canonical splice donor site of the intron after coding-DNA position 1905, G replaced by A.
Molecular consequence: splice donor variant.
Genome position (GRCh38, 1-based): chr1:97,450,058, C>T on the plus strand (G>A on the coding strand, the complement: DPYD is on the minus strand). VCF-style: chr1-97450058-C-T. GRCh37 (hg19) VCF-style: chr1-97915614-C-T.
Other names: DPYD*2A; IVS14, G-A, +1.
Identifiers: ClinVar variation 432 (VCV000000432.151), dbSNP rs3918290, ClinGen allele CA114277.
Genomic context (GRCh38, chr1:97,450,058, plus strand): 5'-TTAAATAAACATTCACCAACTTATGCCAATTCTCTTGTTTTAGATGTTAAATCACACTTA[C>T]GTTGTCTGGAAAGTCAGCCTTTAGTTCAGTGACACTTTGACACCAATATGCAGCCGTTTT-3'

ClinVar aggregate classification (germline): drug response. Review status: reviewed by expert panel (3 of 4 stars). 34 submissions from 30 submitters: drug response (4). 30 of the submissions do not count toward it. Last evaluated 2021-05-24.

Conditions:
DPYD-related disorder. Also called: DPYD-related condition.
DPYD-related disorders.
Inborn genetic diseases. Identifiers: MedGen C0950123, MeSH D030342.
Hirschsprung disease, susceptibility to, 1 (HSCR1). Also called: RET-Related Hirschsprung Disease. Identifiers: Orphanet 388, MedGen C3888239, MONDO:0007723, OMIM 142623.
Dihydropyrimidine dehydrogenase deficiency (DPYDD). Also called: DPD DEFICIENCY; DPYD DEFICIENCY; Hereditary Thymine-Uraciluria. Identifiers: Orphanet 1675, MedGen C1959620, MONDO:0010130, OMIM 274270.
Fluorouracil response. Also called: 5-FU response; 5-fluorouracil toxicity; 5-fluorouracil toxicity, included. Identifiers: MedGen CN077983, MONDO:0027652.
fluorouracil response - Toxicity.
tegafur response - Toxicity.
capecitabine response - Toxicity.
fluorouracil response - Other.

Allele frequency attached by ClinVar (database versions not stated): 1000 Genomes Project 30x 0.00265; TOPMed 0.00280; 1000 Genomes Project 0.00300; ESP Exome Variant Server 0.00415; gnomAD 0.00460 and 0.00474.

Submissions 1 to 15 of 70:

ClinPGx
Classification: drug response for fluorouracil response - Toxicity. Last evaluated: 2021-05-24. Review status: reviewed by expert panel. Criteria: Pharmacogenomics knowledge for personalized medicine. Collection method: curation. Allele origin: germline. Affected: yes.
Comment: PharmGKB Level of Evidence 1A: Level 1A clinical annotations describe variant-drug combinations that have variant-specific prescribing guidance available in a current clinical guideline annotation or an FDA-approved drug label annotation. Annotations of drug labels or clinical guidelines must give prescribing guidance for specific variants (e.g. CYP2C9*3, HLA-B*57:01) or provide mapping from defined allele functions to diplotypes and phenotypes to be used as supporting evidence for a level 1A clinical annotation. Level 1A clinical annotations must also be supported by at least one publication in addition to a clinical guideline or drug label with variant-specific prescribing guidance.

Drug is not necessarily used to treat response condition

ClinPGx
Classification: drug response for capecitabine response - Toxicity. Last evaluated: 2021-05-24. Review status: reviewed by expert panel. Criteria: Pharmacogenomics knowledge for personalized medicine. Collection method: curation. Allele origin: germline. Affected: yes.
Comment: the same text as in the submission from ClinPGx above.

ClinPGx
Classification: drug response for fluorouracil response - Other. Last evaluated: 2021-05-24. Review status: reviewed by expert panel. Criteria: Pharmacogenomics knowledge for personalized medicine. Collection method: curation. Allele origin: germline. Affected: yes.
Comment: PharmGKB Level of Evidence 1A: Level 1A clinical annotations describe variant-drug combinations that have variant-specific prescribing guidance available in a current clinical guideline annotation or an FDA-approved drug label annotation. Annotations of drug labels or clinical guidelines must give prescribing guidance for specific variants (e.g. CYP2C9*3, HLA-B*57:01) or provide mapping from defined allele functions to diplotypes and phenotypes to be used as supporting evidence for a level 1A clinical annotation. Level 1A clinical annotations must also be supported by at least one publication in addition to a clinical guideline or drug label with variant-specific prescribing guidance.

ClinPGx
Classification: drug response for tegafur response - Toxicity. Last evaluated: 2021-05-24. Review status: reviewed by expert panel. Criteria: Pharmacogenomics knowledge for personalized medicine. Collection method: curation. Allele origin: germline. Affected: yes.
Comment: the same text as in the submission from ClinPGx above.

Dasa
Classification: Pathogenic. Last evaluated: 2026-03-25. Review status: criteria provided, single submitter. Criteria: DASA Assertion Criteria. Collection method: clinical testing. Allele origin: germline. Not counted in ClinVar's aggregate classification.
Comment: NM_000110.4(DPYD):c.1905+1G>A affects a canonical splice site and is predicted to disrupt normal RNA splicing, leading to loss of normal protein function. Loss-of-function is an established mechanism of disease for this gene. Functional evidence supports a deleterious effect on the gene or gene product (PMID: 8892022; PMID: 28929491; PMID: 11895907; PMID: 23328581). This variant has been recurrently observed in individuals with related phenotype (PMID: 8892022; PMID: 28929491; PMID: 11895907; PMID: 23328581). The variant is present at low frequency in population datasets. Based on the available data, this variant is classified as pathogenic.

CeGaT Center for Human Genetics Tuebingen
Classification: Pathogenic. Last evaluated: 2026-01-01. Review status: criteria provided, single submitter. Criteria: CeGaT Center For Human Genetics Tuebingen Variant Classification Criteria Version 2. Collection method: clinical testing. Allele origin: germline. Affected: yes. Observed: 9 variant alleles. Not counted in ClinVar's aggregate classification.
Comment: DPYD: PM3:Very Strong, PVS1:Strong, PP4:Moderate, PM2:Supporting

First Genomix Gene Laboratory, Genetic Diagnostics Department
Classification: Pathogenic for Dihydropyrimidine dehydrogenase deficiency. Last evaluated: 2025-08-05. Review status: criteria provided, single submitter. Criteria: ACMG Guidelines, 2015. Collection method: clinical testing. Allele origin: germline. Inheritance: Autosomal recessive inheritance. Affected: no. Observed: 1 variant allele. Not counted in ClinVar's aggregate classification.

Variantyx, Inc.
Classification: Pathogenic for Dihydropyrimidine dehydrogenase deficiency. Last evaluated: 2025-06-03. Review status: criteria provided, single submitter. Criteria: Variantyx Assertion Criteria 2022. Collection method: clinical testing. Allele origin: germline. Inheritance: Autosomal recessive inheritance. Not counted in ClinVar's aggregate classification.
Comment: This is a canonical splicing variant in the DPYD gene (OMIM: 612779). Pathogenic variants in this gene have been associated with autosomal recessive dihydropyrimidine dehydrogenase deficiency. This splicing variant is expected to result in loss of function, which is a known disease mechanism for DPYD in this disorder (PVS1). It has been identified in the homozygous or compound heterozygous state in at least 2 individual(s) reported in the published literature (PMID: 11895907, 8892022) (PM3_Strong). This variant has a 0.4832% maximum allele frequency in non-founder control populations. Based on the current evidence, this variant is classified as pathogenic for autosomal recessive dihydropyrimidine dehydrogenase deficiency.

Laboratory of Genetics, Children's Clinical University Hospital Latvia
Classification: Pathogenic. Last evaluated: 2025-02-16. Review status: criteria provided, single submitter. Criteria: ACMG Guidelines, 2015. Collection method: clinical testing. Allele origin: germline. Affected: yes. Not counted in ClinVar's aggregate classification.

Blueprint Genetics
Classification: Pathogenic for DPYD-related disorders. Last evaluated: 2024-11-23. Review status: criteria provided, single submitter. Criteria: ACMG Guidelines, 2015. Collection method: clinical testing. Allele origin: germline. Affected: yes. Observed: 5 variant alleles. Not counted in ClinVar's aggregate classification.

Baylor Genetics
Classification: Pathogenic for Dihydropyrimidine dehydrogenase deficiency. Last evaluated: 2024-03-30. Review status: criteria provided, single submitter. Criteria: ACMG Guidelines, 2015. Collection method: clinical testing. Allele origin: unknown. Not counted in ClinVar's aggregate classification.

Genomic Medicine Center of Excellence, King Faisal Specialist Hospital and Research Centre
Classification: Likely pathogenic for Dihydropyrimidine dehydrogenase deficiency. Last evaluated: 2024-03-17. Review status: criteria provided, single submitter. Criteria: ACMG Guidelines, 2015. Collection method: research. Allele origin: germline. Not counted in ClinVar's aggregate classification.

Neuberg Centre For Genomic Medicine, NCGM
Classification: Pathogenic for Dihydropyrimidine dehydrogenase deficiency. Last evaluated: 2024-02-01. Review status: criteria provided, single submitter. Criteria: ACMG Guidelines, 2015. Collection method: clinical testing. Allele origin: germline. Inheritance: Autosomal recessive inheritance. Not counted in ClinVar's aggregate classification.
Comment: The above variant has been reported previously in multiple individuals (Wong BYL, et al., 2024). Individuals who carry at least one DPYD allele are at risk to experience drug toxicity when treated with fluoropyrimidine drugs. Experimental evidence suggests that this variant results in a nonfunctional DPYD protein (Offer et al., 2013). Loss of function is a known mechanism of disease in this gene and is associated with dihydropyrimidine dehydrogenase deficiency. This gene is associated with autosomal recessive disease. The condition associated with this gene has incomplete penetrance. Asymptomatic individuals with biallelic variants are well reported. This variant has strong functional evidence supporting abnormal protein function. This variant has strong previous evidence of pathogenicity in unrelated individuals. This variant has been reported many times as pathogenic, and has been observed in homozygous and compound heterozygous patients with dihydropyrimidine dehydrogenase deficiency (Vreken P, et al.1996). For these reasons, this variant has been classified as Pathogenic.

Daryl Scott Lab, Baylor College of Medicine
Classification: Pathogenic for DPYD-related disorder. Last evaluated: 2024-01-01. Review status: criteria provided, single submitter. Criteria: ACMG Guidelines, 2015. Collection method: clinical testing. Allele origin: maternal. Observed: 1 heterozygote. Not counted in ClinVar's aggregate classification.
Comment: PVS1, PS3

Department of Pathology and Laboratory Medicine, Sinai Health System
Classification: Pathogenic for Dihydropyrimidine dehydrogenase deficiency. Last evaluated: 2023-07-18. Review status: criteria provided, single submitter. Criteria: ACMG Guidelines, 2015. Collection method: research. Allele origin: germline. Not counted in ClinVar's aggregate classification.